The following is an entry in ClinVar:

ClinVar aggregate classification (germline): Likely pathogenic (1 of 4 stars; one submission).

Conditions:
Posterior column ataxia-retinitis pigmentosa syndrome (RETSNS). Also called: RETINOPATHY-SENSORY NEUROPATHY SYNDROME. Identifiers: Orphanet 88628, MedGen C1836916, MONDO:0012177, OMIM 609033.
Neurodevelopmental disorder with microcephaly, absent speech, and hypotonia. Identifiers: MedGen C5975578, MONDO:0976126, OMIM 621060.

gnomAD v4.1: 1 of 1,613,274 alleles (0.000062%); highest among the groups gnomAD compares: Non-Finnish European, 0.000085%; no homozygotes.

Submission:

Diagnostics Services (NGS), CSIR - Centre For Cellular And Molecular Biology
Classification: Likely pathogenic for Neurodevelopmental disorder with microcephaly, absent speech, and hypotonia; Posterior column ataxia-retinitis pigmentosa syndrome. Last evaluated: 2025-04-15. Review status: criteria provided, single submitter. Criteria: ACMG Guidelines, 2015. Collection method: clinical testing. Allele origin: unknown. Affected: no. Observed: 2 variant alleles, 2 heterozygotes.
Comment: The c.1441C>T variant is not present in publicly available population databases like 1000 Genomes, EVS, gnomAD, Indian Exome Database or our internal database. This variant has neither been published in literature in individuals affected with FLVCR1-related conditions nor reported to the clinical databases like Human Genome Mutation Database (HGMD), ClinVar or OMIM, in any affected individuals. In-silico pathogenicity prediction programs like MutationTaster2021, CADD, Franklin, Varsome, InterVar etc predicted this variant to be likely deleterious. This variant creates a premature translational stop-signal at the 481th amino acid position of the wild-type transcript that may either result in translation of a truncated protein or cause nonsense mediated decay of the mRNA. This variant has been identified in a married couple, as a part of carrier screening.

NM_014053.4(FLVCR1):c.1441C>T (p.Gln481Ter)

Gene: FLVCR1 (FLVCR choline and heme transporter 1; plus strand). Cytogenetic location: 1q32.3.
Variant type: single nucleotide variant.
Coding change: c.1441C>T on transcript NM_014053.4 (MANE Select); coding-DNA position 1441, C replaced by T.
Protein change: p.Gln481Ter; replaces glutamine 481 with a stop codon.
Molecular consequence: nonsense.
Genome position (GRCh38, 1-based): chr1:212,889,173, C>T. VCF-style: chr1-212889173-C-T. GRCh37 (hg19) VCF-style: chr1-213062515-C-T.
Other names: short protein forms Q481*.
Identifiers: ClinVar variation 3893286 (VCV003893286.1).